The following is an entry in ClinVar:

NM_000352.6(ABCC8):c.1995C>G (p.Ser665Arg)

Gene: ABCC8 (ATP binding cassette subfamily C member 8; minus strand). Cytogenetic location: 11p15.1.
Variant type: single nucleotide variant.
Coding change: c.1995C>G on transcript NM_000352.6 (MANE Select); coding-DNA position 1995, C replaced by G.
Protein change: p.Ser665Arg; replaces serine 665 with arginine.
Molecular consequence: missense variant. On other transcripts: non-coding transcript variant (1).
Genome position (GRCh38, 1-based): chr11:17,428,334, G>C on the plus strand (C>G on the coding strand, the complement: ABCC8 is on the minus strand). VCF-style: chr11-17428334-G-C. GRCh37 (hg19) VCF-style: chr11-17449881-G-C.
Other names: c.1995C>G, p.Ser665Arg (NM_001287174.3); c.2061C>G, p.Ser687Arg (NM_001351295.2); c.1992C>G, p.Ser664Arg (NM_001351296.2, NM_001351297.2); short protein forms S664R, S665R, S687R.
Identifiers: ClinVar variation 4800394 (VCV004800394.1).
Genomic context (GRCh38, chr11:17,428,334, plus strand): 5'-GGCAGCAGGACTCACCTGGACACAGCAGTTGTCAGCATCGCCATCTGCACTGGGGACCAG[G>C]CTCTGCAGTGGGCCGGTGAGGCCCCGACAATCCTCCCGGGCTGGACGCTTGCGGTTCACA-3'
Protein context (NP_000343.2, residues 655-675): DCRGLTGPLQ[Ser665Arg]LVPSADGDAD

ClinVar aggregate classification (germline): Uncertain significance (1 of 4 stars; one submission).

Submission:

Labcorp Genetics (formerly Invitae), Labcorp
Classification: Uncertain significance. Last evaluated: 2026-01-06. Review status: criteria provided, single submitter. Criteria: Invitae Variant Classification Sherloc (09022015). Collection method: clinical testing. Allele origin: germline.
Comment: This sequence change replaces serine, which is neutral and polar, with arginine, which is basic and polar, at codon 665 of the ABCC8 protein (p.Ser665Arg). This variant is not present in population databases (gnomAD no frequency). This variant has not been reported in the literature in individuals affected with ABCC8-related conditions. Invitae Evidence Modeling of protein sequence and biophysical properties (such as structural, functional, and spatial information, amino acid conservation, physicochemical variation, residue mobility, and thermodynamic stability) indicates that this missense variant is not expected to disrupt ABCC8 protein function with a negative predictive value of 95%. In summary, the available evidence is currently insufficient to determine the role of this variant in disease. Therefore, it has been classified as a Variant of Uncertain Significance.